The following is an entry in ClinVar:

NM_003238.6(TGFB2):c.493C>T (p.Arg165Trp)

Gene: TGFB2 (transforming growth factor beta 2; plus strand). Cytogenetic location: 1q41.
Variant type: single nucleotide variant.
Coding change: c.493C>T on transcript NM_003238.6 (MANE Select); coding-DNA position 493, C replaced by T.
Protein change: p.Arg165Trp; replaces arginine 165 with tryptophan.
Molecular consequence: missense variant. On other transcripts: non-coding transcript variant (2).
Genome position (GRCh38, 1-based): chr1:218,405,315, C>T. VCF-style: chr1-218405315-C-T. GRCh37 (hg19) VCF-style: chr1-218578657-C-T.
Other names: p.(Arg165Trp); c.493C>T (NM_003238.4); c.577C>T, p.Arg193Trp (NM_001135599.4); short protein forms R193W, R165W.
Identifiers: ClinVar variation 408428 (VCV000408428.22), dbSNP rs773820426, ClinGen allele CA1398460.
Genomic context (GRCh38, chr1:218,405,315, plus strand): 5'-GTGAAAGCAGAGTTCAGAGTCTTTCGTTTGCAGAACCCAAAAGCCAGAGTGCCTGAACAA[C>T]GGATTGAGCTATATCAGGTAATGTTCATTTGTTGTTGTTGTTGTTGTTGTTGTTGTTGTT-3'
Protein context (NP_003229.1, residues 155-175): QNPKARVPEQ[Arg165Trp]IELYQILKSK

ClinVar aggregate classification (germline): Conflicting classifications of pathogenicity. Review status: criteria provided, conflicting classifications (1 of 4 stars). 5 submissions from 5 submitters: Likely pathogenic (1); Uncertain significance (4). Last evaluated 2025-12-24.

Conditions:
TGFB2-related disorder. Also called: TGFB2-related condition.
Loeys-Dietz syndrome 4 (LDS4). Also called: ANEURYSM, AORTIC AND CEREBRAL, WITH ARTERIAL TORTUOSITY AND SKELETAL MANIFESTATIONS; TGFB2-Related Loeys-Dietz Syndrome. Identifiers: MedGen C3553762, MONDO:0013897, OMIM 614816.
Familial thoracic aortic aneurysm and aortic dissection (TAAD). Also called: Thoracic aortic aneurysms and dissections. Identifiers: Orphanet 91387, MedGen C4707243, MONDO:0019625.

Allele frequency attached by ClinVar (database versions not stated): gnomAD exomes below 0.00001; gnomAD 0.00001; TOPMed below 0.00001; ExAC 0.00001.
gnomAD v4.1: 3 of 1,613,854 alleles (0.00019%); highest among the groups gnomAD compares: African/African-American, 0.0013%; no homozygotes.

Submissions (5):

Labcorp Genetics (formerly Invitae), Labcorp
Classification: Likely pathogenic for Loeys-Dietz syndrome 4. Last evaluated: 2025-12-24. Review status: criteria provided, single submitter. Criteria: Invitae Variant Classification Sherloc (09022015). Collection method: clinical testing. Allele origin: germline.
Comment: This sequence change replaces arginine, which is basic and polar, with tryptophan, which is neutral and slightly polar, at codon 165 of the TGFB2 protein (p.Arg165Trp). This variant is present in population databases (rs773820426, gnomAD 0.004%). This missense change has been observed in individuals with clinical features of TGFB2-related conditions (PMID: 25644172, 29392890; internal data). This variant is also known as c.577C>T (p.Arg193Trp) . ClinVar contains an entry for this variant (Variation ID: 408428). Invitae Evidence Modeling of protein sequence and biophysical properties (such as structural, functional, and spatial information, amino acid conservation, physicochemical variation, residue mobility, and thermodynamic stability) has been performed for this missense variant. However, the output from this modeling did not meet the statistical confidence thresholds required to predict the impact of this variant on TGFB2 protein function. In summary, the currently available evidence indicates that the variant is pathogenic, but additional data are needed to prove that conclusively. Therefore, this variant has been classified as Likely Pathogenic.

Women's Health and Genetics/Laboratory Corporation of America, LabCorp
Classification: Uncertain significance. Last evaluated: 2025-12-02. Review status: criteria provided, single submitter. Criteria: LabCorp Variant Classification Summary - May 2015. Collection method: clinical testing. Allele origin: germline.
Comment: Variant summary: TGFB2 c.493C>T (p.Arg165Trp) results in a non-conservative amino acid change in the encoded protein sequence. Algorithms developed to predict the effect of missense changes on protein structure and function all suggest that this variant is likely to be disruptive. The variant allele was found at a frequency of 4e-06 in 251348 control chromosomes. The available data on variant occurrences in the general population are insufficient to allow any conclusion about variant significance. c.493C>T has been observed in an individual affected with a syndromic heritable thoracic aortic disorder and an individual with Loeys-Dietz syndrome, but without strong evidence for causality (e.g. Campens_2015, Schepers_2018). These reports do not provide unequivocal conclusions about association of the variant with TGFB2-related conditions. To our knowledge, no experimental evidence demonstrating an impact on protein function has been reported. The following publications have been ascertained in the context of this evaluation (PMID: 25644172, 29392890). ClinVar contains an entry for this variant (Variation ID: 408428). Based on the evidence outlined above, the variant was classified as uncertain significance.

PreventionGenetics, part of Exact Sciences
Classification: Uncertain significance for TGFB2-related condition. Last evaluated: 2024-12-04. Review status: criteria provided, single submitter. Criteria: ACMG Guidelines, 2015. Collection method: clinical testing. Allele origin: germline.
Comment: The TGFB2 c.493C>T variant is predicted to result in the amino acid substitution p.Arg165Trp. In the literature this variant may also be reported via an alternate transcript, NM_001135599, as c.577C>T (p.Arg193Trp). This variant was reported in an individual with syndromic thoracic aortic disorder (Campens et al. 2015. PubMed ID: 25644172). This variant was also reported in a study of individuals with Loeys-Dietz syndrome (Supplementary Table S1, Schepers et al. 2018. PubMed ID: 29392890). This variant is reported in 0.0040% of alleles in individuals of African descent in gnomAD. At this time, the clinical significance of this variant is uncertain due to the absence of conclusive functional and genetic evidence.

Ambry Genetics
Classification: Uncertain significance for Familial thoracic aortic aneurysm and aortic dissection. Last evaluated: 2024-05-10. Review status: criteria provided, single submitter. Criteria: Ambry Variant Classification Scheme 2023. Collection method: clinical testing. Allele origin: germline.
Comment: The p.R165W variant (also known as c.493C>T), located in coding exon 2 of the TGFB2 gene, results from a C to T substitution at nucleotide position 493. The arginine at codon 165 is replaced by tryptophan, an amino acid with dissimilar properties. This alteration was reported in one patient with syndromic heritable thoracic aortic disorder, but clinical details were limited (Campens L et al. Orphanet J Rare Dis. 2015;10:9). This amino acid position is highly conserved in available vertebrate species. In addition, this alteration is predicted to be deleterious by in silico analysis. Since supporting evidence is limited at this time, the clinical significance of this alteration remains unclear.

GeneDx
Classification: Uncertain significance. Last evaluated: 2023-09-27. Review status: criteria provided, single submitter. Criteria: GeneDx Variant Classification Process June 2021. Collection method: clinical testing. Allele origin: germline. Affected: yes.
Comment: Reported as p.(R193W) in an individual with syndromic TAAD and reported to segregate with disease in the family, although no additional clinical information was provided (Campens et al., 2015); In silico analysis supports that this missense variant has a deleterious effect on protein structure/function; Not observed at significant frequency in large population cohorts (gnomAD); This variant is associated with the following publications: (PMID: 25644172, 29392890)

Literature cited by the submitters: PubMed 25644172 (cited by 3 submitters); PubMed 29392890 (cited by Labcorp Genetics (formerly Invitae), Labcorp and Women's Health and Genetics/Laboratory Corporation of America, LabCorp).